The following is an entry in ClinVar:

NM_016955.4(SEPSECS):c.501G>A (p.Trp167Ter)

Gene: SEPSECS (Sep (O-phosphoserine) tRNA:Sec (selenocysteine) tRNA synthase; minus strand). Cytogenetic location: 4p15.2.
Variant type: single nucleotide variant.
Coding change: c.501G>A on transcript NM_016955.4 (MANE Select); coding-DNA position 501, G replaced by A.
Protein change: p.Trp167Ter; replaces tryptophan 167 with a stop codon.
Molecular consequence: nonsense.
Genome position (GRCh38, 1-based): chr4:25,156,083, C>T on the plus strand (G>A on the coding strand, the complement: SEPSECS is on the minus strand). VCF-style: chr4-25156083-C-T. GRCh37 (hg19) VCF-style: chr4-25157705-C-T.
Other names: short protein forms W167*.
Identifiers: ClinVar variation 863228 (VCV000863228.7), dbSNP rs1712607979, ClinGen allele CA356542277.

ClinVar aggregate classification (germline): Pathogenic (1 of 4 stars; one submission).

Submission:

Labcorp Genetics (formerly Invitae), Labcorp
Classification: Pathogenic. Last evaluated: 2021-04-26. Review status: criteria provided, single submitter. Criteria: Invitae Variant Classification Sherloc (09022015). Collection method: clinical testing. Allele origin: germline.
Comment: This sequence change creates a premature translational stop signal (p.Trp167*) in the SEPSECS gene. It is expected to result in an absent or disrupted protein product. This variant is not present in population databases (ExAC no frequency). This variant has not been reported in the literature in individuals with SEPSECS-related conditions. Loss-of-function variants in SEPSECS are known to be pathogenic (PMID: 25558065, 25590979, 26115735). For these reasons, this variant has been classified as Pathogenic.

Literature cited by the submitters: PubMed 25558065; PubMed 25590979; PubMed 26115735.